The following is an entry in ClinVar:

ClinVar aggregate classification (germline): Uncertain significance. Review status: criteria provided, multiple submitters, no conflicts (2 of 4 stars). 3 submissions from 3 submitters: Uncertain significance (3). Last evaluated 2025-09-10.

Conditions:
Pseudohypoparathyroidism type 1C (PHP1C). Also called: PSEUDOHYPOPARATHYROIDISM, TYPE IC; PHP IC; Pseudohypoparathyroidism Ic (PHP-Ic). Identifiers: Orphanet 79444, MedGen C2932716, MONDO:0012911, OMIM 612462.
Progressive osseous heteroplasia (POH). Also called: Progressive Osseus Heteroplasia (POH); Osseus Heteroplasia, Progressive; ECTOPIC OSSIFICATION, FAMILIAL; Osteoma cutis. Identifiers: Orphanet 2762, MedGen C0334041, MONDO:0008153, OMIM 166350, HP:0025027.
Pseudohypoparathyroidism type I A (PHP1A). Also called: Pseudohypoparathyroidism Ia (PHP-Ia); Pseudohypoparathyroidism Type IA; ALBRIGHT HEREDITARY OSTEODYSTROPHY WITH MULTIPLE HORMONE RESISTANCE; PHP IA; Pseudohypoparathyroidism type 1A. Identifiers: Orphanet 79443, MedGen C3494506, MONDO:0007078, OMIM 103580.
Pituitary adenoma 3, multiple types. Also called: PITUITARY ADENOMA 3, ACTH-SECRETING, SOMATIC; PITUITARY ADENOMA 3, GROWTH HORMONE-SECRETING, SOMATIC. Identifiers: MedGen C4540135, MONDO:0054665, OMIM 617686.
Pseudohypoparathyroidism type 1B (PHP1B). Also called: Pseudohypoparathyroidism Ib (PHP-Ib); PHP IB; Pseudohypoparathyroidism Type IB. Identifiers: Orphanet 94089, MedGen C1864100, MONDO:0011301, OMIM 603233.
McCune-Albright syndrome (MAS). Also called: McCune-Albright syndrome, somatic, mosaic; Fibrous Dysplasia / McCune-Albright Syndrome; ALBRIGHT SYNDROME; Albright's Syndrome; Albright's disease. Identifiers: Orphanet 562, MedGen C0242292, MONDO:0018919, OMIM 174800.
Pseudopseudohypoparathyroidism (PPHP). Also called: ALBRIGHT HEREDITARY OSTEODYSTROPHY WITHOUT MULTIPLE HORMONE RESISTANCE; Pseudopseudohypoparathyroidism (PPHP). Identifiers: Orphanet 79445, MedGen C0033835, MONDO:0012912, OMIM 612463.
ACTH-independent macronodular adrenal hyperplasia 1 (AIMAH1). Also called: CORTICOTROPIN-INDEPENDENT MACRONODULAR ADRENAL HYPERPLASIA; CUSHING SYNDROME, ADRENAL, DUE TO AIMAH; ADRENOCORTICOTROPIC HORMONE-INDEPENDENT MACRONODULAR ADRENAL HYPERPLASIA; ACTH-INDEPENDENT MACRONODULAR ADRENOCORTICAL HYPERPLASIA; ACTH-independent macronodular adrenal hyperplasia, somatic. Identifiers: MedGen C1857451, MONDO:0020735, OMIM 219080.
Inborn genetic diseases. Identifiers: MedGen C0950123, MeSH D030342.
GNAS-related disorder. Identifiers: MedGen CN380105.

Allele frequency attached by ClinVar (database versions not stated): gnomAD 0.00001; TOPMed 0.00001; ExAC 0.00010.
gnomAD v4.1: 11 of 1,582,722 alleles (0.0007%); highest among the groups gnomAD compares: East Asian, 0.0023%; no homozygotes.

Submissions (3):

PreventionGenetics, part of Exact Sciences
Classification: Uncertain significance for GNAS-related condition. Last evaluated: 2025-09-10. Review status: criteria provided, single submitter. Criteria: ACMG Guidelines, 2015. Collection method: clinical testing. Allele origin: germline.
Comment: The GNAS c.1201G>A variant is predicted to result in the amino acid substitution p.Asp401Asn. In the primary GNAS transcript (NM_000516.5), this variant is found within a non-coding region (c.-37261G>A). To our knowledge, this variant has not been reported in the literature. This variant is reported in 0.029% of alleles in individuals of East Asian descent in gnomAD. Although we suspect that this variant may be benign, at this time, the clinical significance of this variant is uncertain due to the absence of conclusive functional and genetic evidence.

Department of Pathology and Laboratory Medicine, Sinai Health System
Classification: Uncertain significance for Pseudohypoparathyroidism type I A; Progressive osseous heteroplasia; McCune-Albright syndrome; ACTH-independent macronodular adrenal hyperplasia 1; Pseudohypoparathyroidism type 1B; Pseudohypoparathyroidism type 1C; Pseudopseudohypoparathyroidism; Pituitary adenoma 3, multiple types. Last evaluated: 2021-09-16. Review status: criteria provided, single submitter. Criteria: ACMG Guidelines, 2015. Collection method: research. Allele origin: germline.

Ambry Genetics
Classification: Uncertain significance for Inborn genetic diseases. Last evaluated: 2021-05-11. Review status: criteria provided, single submitter. Criteria: Ambry Variant Classification Scheme 2023. Collection method: clinical testing. Allele origin: germline.

NM_080425.4(GNAS):c.1201G>A (p.Asp401Asn)

Gene: GNAS (GNAS complex locus; plus strand). Cytogenetic location: 20q13.32.
Variant type: single nucleotide variant.
Coding change: c.1201G>A on transcript NM_080425.4 (MANE Plus Clinical); coding-DNA position 1201, G replaced by A.
Protein change: p.Asp401Asn; replaces aspartic acid 401 with asparagine.
Molecular consequence: missense variant. On other transcripts: synonymous variant (2), intron variant (3).
Genome position (GRCh38, 1-based): chr20:58,854,466, G>A. VCF-style: chr20-58854466-G-A. GRCh37 (hg19) VCF-style: chr20-57429521-G-A.
Other names: c.1014G>A, p.Pro338= (NM_001077490.3, NM_001309883.1); c.1201G>A, p.Asp401Asn (NM_001410913.1); c.*42+13580G>A (NM_016592.5); c.43+13580G>A (NM_001410912.1); c.-39+12591G>A (NM_001309861.2); short protein forms D401N.
Identifiers: ClinVar variation 2230853 (VCV002230853.5), dbSNP rs752141160, ClinGen allele CA9926644.